The following is an entry in ClinVar:

NM_032119.4(ADGRV1):c.15113_15116del (p.Ile5038fs)

Gene: ADGRV1 (adhesion G protein-coupled receptor V1; plus strand). Cytogenetic location: 5q14.3.
Variant type: Deletion.
Coding change: c.15113_15116del on transcript NM_032119.4 (MANE Select); coding-DNA positions 15113 to 15116, 4 bases deleted (TTAA; older notation c.15113_15116delTTAA).
Protein change: p.Ile5038fs; shifts the reading frame from isoleucine 5038.
Molecular consequence: frameshift variant. On other transcripts: non-coding transcript variant (1).
Genome position (GRCh38, 1-based): chr5:90,810,373-90,810,376, TTAA deleted; deleting any 4 consecutive bases within chr5:90,810,372-90,810,376 gives the same sequence; the c. name uses the placement nearest the transcript's 3' end. VCF-style (leftmost placement, unchanged base first): chr5-90810371-TATTA-T. GRCh37 (hg19) VCF-style: chr5-90106188-TATTA-T.
Other names: short protein forms I5038fs.
Identifiers: ClinVar variation 4884059 (VCV004884059.2).

ClinVar aggregate classification (germline): Uncertain significance (1 of 4 stars; one submission).

Conditions:
Febrile seizures, familial, 4 (FEB4). Also called: CONVULSIONS, FAMILIAL FEBRILE, 4. Identifiers: MedGen C1858493, MONDO:0011443, OMIM 604352.

Submission:

Dasa
Classification: Uncertain significance for Febrile seizures, familial, 4. Last evaluated: 2025-07-20. Review status: criteria provided, single submitter. Criteria: DASA Assertion Criteria. Collection method: clinical testing. Allele origin: germline.
Comment: NM_032119.4(ADGRV1):c.15113_15116del (p.Ile5038Lysfs*38) is a frameshift variant in ADGRV1 predicted to alter the reading frame and introduce a premature termination codon. Published studies describe this variant in association with related phenotype (PMID: 35813073; PMID: 36399868; PMID: 29266188). Also, this variant is absent from population databases. The currently available literature and clinical evidence are not sufficient to establish a definitive association between this variant and the reported condition. Therefore, this variant is classified as a variant of uncertain significance.

Literature cited by the submitters: PubMed 35813073; PubMed 36399868; PubMed 29266188.